The following is an entry in ClinVar:

ClinVar aggregate classification (germline): Likely benign (1 of 4 stars; one submission).

Allele frequency attached by ClinVar (database versions not stated): gnomAD exomes 0.00021; ExAC 0.00082; gnomAD 0.00235; TOPMed 0.00244; ESP Exome Variant Server 0.00254; 1000 Genomes Project 0.00339; 1000 Genomes Project 30x 0.00344.
gnomAD v4.1: 679 of 1,614,128 alleles (0.042%); highest among the groups gnomAD compares: African/African-American, 0.77%; 5 homozygotes.

Submission:

CeGaT Center for Human Genetics Tuebingen
Classification: Likely benign. Last evaluated: 2022-09-01. Review status: criteria provided, single submitter. Criteria: CeGaT Center For Human Genetics Tuebingen Variant Classification Criteria Version 2. Collection method: clinical testing. Allele origin: germline. Affected: yes. Observed: 1 variant allele.
Comment: KIAA1191: BP4, BP7

NM_020444.5(KIAA1191):c.684G>A (p.Pro228=)

Genes: KIAA1191 (KIAA1191; minus strand), SIMC1 (SUMO interacting motifs containing 1; plus strand). Cytogenetic location: 5q35.2.
Variant type: single nucleotide variant.
Coding change: c.684G>A on transcript NM_020444.5 (MANE Select); coding-DNA position 684, G replaced by A.
Protein change: p.Pro228=; no amino-acid change (proline 228 retained).
Molecular consequence: synonymous variant. On other transcripts: non-coding transcript variant (5).
Genome position (GRCh38, 1-based): chr5:176,347,946, C>T on the plus strand (G>A on the coding strand, the complement: KIAA1191 is on the minus strand). VCF-style: chr5-176347946-C-T. GRCh37 (hg19) VCF-style: chr5-175774949-C-T.
Other names: c.627G>A, p.Pro209= (NM_001079684.3, NM_001287336.2); c.684G>A, p.Pro228= (NM_001079685.3); c.441G>A, p.Pro147= (NM_001287335.2).
Identifiers: ClinVar variation 2656085 (VCV002656085.24), dbSNP rs138167765, ClinGen allele CA3567817.